The following is an entry in ClinVar:

ClinVar aggregate classification (germline): Conflicting classifications of pathogenicity. Review status: criteria provided, conflicting classifications (1 of 4 stars). 3 submissions from 3 submitters: Uncertain significance (1); Benign (2). Last evaluated 2025-06-12.

Conditions:
Pseudohypoaldosteronism type 2B (PHA2B). Also called: Pseudohypoaldosteronism Type IIB. Identifiers: Orphanet 757, Orphanet 88939, MedGen C1840390, MONDO:0013777, OMIM 614491.

Allele frequency attached by ClinVar (database versions not stated): gnomAD exomes 0.00014 and 0.00038; ExAC 0.00037; gnomAD 0.00115 and 0.00123; ESP Exome Variant Server 0.00131; TOPMed 0.00155; 1000 Genomes Project 30x 0.00187; 1000 Genomes Project 0.00200.
gnomAD v4.1: 417 of 1,614,186 alleles (0.026%); highest among the groups gnomAD compares: African/African-American, 0.36%; 1 homozygote.

Submissions (3):

Labcorp Genetics (formerly Invitae), Labcorp
Classification: Benign. Last evaluated: 2025-06-12. Review status: criteria provided, single submitter. Criteria: Invitae Variant Classification Sherloc (09022015). Collection method: clinical testing. Allele origin: germline.

GeneDx
Classification: Uncertain significance. Last evaluated: 2021-08-30. Review status: criteria provided, single submitter. Criteria: GeneDx Variant Classification Process June 2021. Collection method: clinical testing. Allele origin: germline. Affected: yes.
Comment: In silico analysis supports that this missense variant has a deleterious effect on protein structure/function; Has not been previously published as pathogenic or benign to our knowledge

Illumina Laboratory Services, Illumina
Classification: Benign for Pseudohypoaldosteronism type 2B. Last evaluated: 2018-01-12. Review status: criteria provided, single submitter. Criteria: ICSL Variant Classification Criteria 13 December 2019. Collection method: clinical testing. Allele origin: germline.
Comment: This variant was observed in the ICSL laboratory as part of a predisposition screen in an ostensibly healthy population. It had not been previously curated by ICSL or reported in the Human Gene Mutation Database (HGMD: prior to June 1st, 2018), and was therefore a candidate for classification through an automated scoring system. Utilizing variant allele frequency, disease prevalence and penetrance estimates, and inheritance mode, an automated score was calculated to assess if this variant is too frequent to cause the disease. Based on the score and internal cut-off values, a variant classified as benign is not then subjected to further curation. The score for this variant resulted in a classification of benign for this disease.

NM_032387.5(WNK4):c.1885C>T (p.Arg629Cys)

Gene: WNK4 (WNK lysine deficient protein kinase 4; plus strand). Cytogenetic location: 17q21.2.
Variant type: single nucleotide variant.
Coding change: c.1885C>T on transcript NM_032387.5 (MANE Select); coding-DNA position 1885, C replaced by T.
Protein change: p.Arg629Cys; replaces arginine 629 with cysteine.
Molecular consequence: missense variant.
Genome position (GRCh38, 1-based): chr17:42,788,151, C>T. VCF-style: chr17-42788151-C-T. GRCh37 (hg19) VCF-style: chr17-40940169-C-T.
Other names: c.877C>T, p.Arg293Cys (NM_001321299.2); short protein forms R629C, R293C.
Identifiers: ClinVar variation 323332 (VCV000323332.10), dbSNP rs61755600, ClinGen allele CA8584147.